The following is an entry in ClinVar:

NM_001370259.2(MEN1):c.1682T>C (p.Met561Thr)

Gene: MEN1 (menin 1; minus strand). Cytogenetic location: 11q13.1.
Variant type: single nucleotide variant.
Coding change: c.1682T>C on transcript NM_001370259.2 (MANE Select); coding-DNA position 1682, T replaced by C.
Protein change: p.Met561Thr; replaces methionine 561 with threonine.
Molecular consequence: missense variant.
Genome position (GRCh38, 1-based): chr11:64,804,485, A>G on the plus strand (T>C on the coding strand, the complement: MEN1 is on the minus strand). VCF-style: chr11-64804485-A-G. GRCh37 (hg19) VCF-style: chr11-64571957-A-G.
Other names: c.1697T>C, p.Met566Thr (NM_000244.4, NM_130800.3, NM_130801.3 and 3 more transcripts); c.1808T>C, p.Met603Thr (NM_001370251.2); c.1682T>C, p.Met561Thr (NM_001370260.2, NM_001370261.2, NM_130799.3); c.1577T>C, p.Met526Thr (NM_001370262.2, NM_001370263.2); c.1682T>C (NM_130799.2); short protein forms M603T, M526T, M561T, M566T.
Identifiers: ClinVar variation 1399276 (VCV001399276.8), dbSNP rs1941501393, ClinGen allele CA381177710.
Genomic context (GRCh38, chr11:64,804,485, plus strand): 5'-GCCGTGAGTTGCAGCTTGATGGCGCTCGAGTTGATCTTGGTGGCCACCAGCAGCTCCTTC[A>G]TGCCCTTCATCTTCTCACTCTGGAAAGTGAGCACTGGACCCTCCGGCGGTGGTGATGCTG-3'
Protein context (NP_001357188.2, residues 551-571): LTFQSEKMKG[Met561Thr]KELLVATKIN

ClinVar aggregate classification (germline): Uncertain significance. Review status: criteria provided, multiple submitters, no conflicts (2 of 4 stars). 3 submissions from 3 submitters: Uncertain significance (3). Last evaluated 2025-10-21.

Conditions:
Hereditary cancer-predisposing syndrome. Also called: Neoplastic Syndromes, Hereditary; Hereditary neoplastic syndrome; Hereditary Cancer Syndrome; Tumor predisposition. Identifiers: Orphanet 140162, MedGen C0027672, MeSH D009386, MONDO:0015356.
Multiple endocrine neoplasia, type 1 (MEN1). Also called: MEN I; WERMER SYNDROME; Endocrine adenomatosis multiple; MEN 1; MEA I. Identifiers: Orphanet 652, MedGen C0025267, MeSH D018761, MONDO:0007540, OMIM 131100.

Allele frequency attached by ClinVar (database versions not stated): gnomAD exomes below 0.00001.
gnomAD v4.1: 1 of 1,614,110 alleles (0.000062%); highest among the groups gnomAD compares: Non-Finnish European, 0.000085%; no homozygotes.

Submissions (3):

Labcorp Genetics (formerly Invitae), Labcorp
Classification: Uncertain significance for Multiple endocrine neoplasia, type 1. Last evaluated: 2025-10-21. Review status: criteria provided, single submitter. Criteria: Invitae Variant Classification Sherloc (09022015). Collection method: clinical testing. Allele origin: germline.
Comment: This sequence change replaces methionine, which is neutral and non-polar, with threonine, which is neutral and polar, at codon 561 of the MEN1 protein (p.Met561Thr). This variant is not present in population databases (gnomAD no frequency). This variant has not been reported in the literature in individuals affected with MEN1-related conditions. ClinVar contains an entry for this variant (Variation ID: 1399276). Invitae Evidence Modeling of protein sequence and biophysical properties (such as structural, functional, and spatial information, amino acid conservation, physicochemical variation, residue mobility, and thermodynamic stability) indicates that this missense variant is expected to disrupt MEN1 protein function with a positive predictive value of 80%. In summary, the available evidence is currently insufficient to determine the role of this variant in disease. Therefore, it has been classified as a Variant of Uncertain Significance.

Ambry Genetics
Classification: Uncertain significance for Hereditary cancer-predisposing syndrome. Last evaluated: 2025-04-11. Review status: criteria provided, single submitter. Criteria: Ambry Variant Classification Scheme 2023. Collection method: clinical testing. Allele origin: germline.
Comment: The p.M561T variant (also known as c.1682T>C), located in coding exon 9 of the MEN1 gene, results from a T to C substitution at nucleotide position 1682. The methionine at codon 561 is replaced by threonine, an amino acid with similar properties. This amino acid position is highly conserved in available vertebrate species. In addition, this alteration is predicted to be deleterious by in silico analysis. Based on the available evidence, the clinical significance of this variant remains unclear.

Baylor Genetics
Classification: Uncertain significance for Multiple Endocrine Neoplasia Type 1. Last evaluated: 2023-10-10. Review status: criteria provided, single submitter. Criteria: ACMG Guidelines, 2015. Collection method: clinical testing. Allele origin: unknown.